The following is an entry in ClinVar:

NM_014278.4(HSPA4L):c.1812G>A (p.Glu604=)

Gene: HSPA4L (heat shock protein family A (Hsp70) member 4 like; plus strand). Cytogenetic location: 4q28.1.
Variant type: single nucleotide variant.
Coding change: c.1812G>A on transcript NM_014278.4 (MANE Select); coding-DNA position 1812, G replaced by A.
Protein change: p.Glu604=; no amino-acid change (glutamic acid 604 retained).
Molecular consequence: synonymous variant.
Genome position (GRCh38, 1-based): chr4:127,820,565, G>A. VCF-style: chr4-127820565-G-A. GRCh37 (hg19) VCF-style: chr4-128741720-G-A.
Other names: c.1905G>A, p.Glu635= (NM_001317381.2); c.1734G>A, p.Glu578= (NM_001317382.2); c.1689G>A, p.Glu563= (NM_001317383.2).
Identifiers: ClinVar variation 3906062 (VCV003906062.10).

ClinVar aggregate classification (germline): Likely benign (1 of 4 stars; one submission).

Submission:

CeGaT Center for Human Genetics Tuebingen
Classification: Likely benign. Last evaluated: 2025-06-01. Review status: criteria provided, single submitter. Criteria: CeGaT Center For Human Genetics Tuebingen Variant Classification Criteria Version 2. Collection method: clinical testing. Allele origin: germline. Affected: yes. Observed: 1 variant allele.
Comment: HSPA4L: PM2:Supporting, BP4, BP7